The following is an entry in ClinVar:

ClinVar aggregate classification (germline): Likely pathogenic (1 of 4 stars; one submission).

Submission:

GeneDx
Classification: Likely pathogenic. Last evaluated: 2025-10-13. Review status: criteria provided, single submitter. Criteria: GeneDx Variant Classification Process June 2021. Collection method: clinical testing. Allele origin: germline. Affected: yes.
Comment: Not observed at significant frequency in large population cohorts (gnomAD); Frameshift variant predicted to result in abnormal protein length as the last 37 amino acids are replaced with 1different amino acid; Has not been previously published as pathogenic or benign to our knowledge; This variant is associated with the following publications: (PMID: 26100331, 25609763, 25512093)

NM_001376.5(DYNC1H1):c.13829del (p.Tyr4610fs)

Gene: DYNC1H1 (dynein cytoplasmic 1 heavy chain 1; plus strand). Cytogenetic location: 14q32.31.
Variant type: Deletion.
Coding change: c.13829del on transcript NM_001376.5 (MANE Select); coding-DNA position 13829, one base deleted (A; older notation c.13829delA).
Protein change: p.Tyr4610fs; shifts the reading frame from tyrosine 4610.
Molecular consequence: frameshift variant.
Genome position (GRCh38, 1-based): chr14:102,050,451, A deleted. VCF-style (leftmost placement, unchanged base first): chr14-102050450-TA-T. GRCh37 (hg19) VCF-style: chr14-102516787-TA-T.
Other names: c.13829delA, p.Tyr4610Serfs (NM_001376.4); short protein forms Y4610fs.
Identifiers: ClinVar variation 1878903 (VCV001878903.2), dbSNP rs2503893341, ClinGen allele CA2580088465.